The following is an entry in ClinVar:

NM_199355.4(ADAMTS18):c.3134T>C (p.Leu1045Pro)

Gene: ADAMTS18 (ADAM metallopeptidase with thrombospondin type 1 motif 18; minus strand). Cytogenetic location: 16q23.1.
Variant type: single nucleotide variant.
Coding change: c.3134T>C on transcript NM_199355.4 (MANE Select); coding-DNA position 3134, T replaced by C.
Protein change: p.Leu1045Pro; replaces leucine 1045 with proline.
Molecular consequence: missense variant.
Genome position (GRCh38, 1-based): chr16:77,293,131, A>G on the plus strand (T>C on the coding strand, the complement: ADAMTS18 is on the minus strand). VCF-style: chr16-77293131-A-G. GRCh37 (hg19) VCF-style: chr16-77327028-A-G.
Other names: c.2618T>C, p.Leu873Pro (NM_001326358.2); short protein forms L873P, L1045P.
Identifiers: ClinVar variation 1917208 (VCV001917208.5), dbSNP rs2543580135, ClinGen allele CA396832707.

ClinVar aggregate classification (germline): Uncertain significance (1 of 4 stars; one submission).

Allele frequency attached by ClinVar (database versions not stated): gnomAD exomes below 0.00001.
gnomAD v4.1: 3 of 1,614,048 alleles (0.00019%); highest among the groups gnomAD compares: Admixed American, 0.0033%; no homozygotes.

Submission:

Labcorp Genetics (formerly Invitae), Labcorp
Classification: Uncertain significance. Last evaluated: 2024-02-24. Review status: criteria provided, single submitter. Criteria: Invitae Variant Classification Sherloc (09022015). Collection method: clinical testing. Allele origin: germline.
Comment: This sequence change replaces leucine, which is neutral and non-polar, with proline, which is neutral and non-polar, at codon 1045 of the ADAMTS18 protein (p.Leu1045Pro). This variant is not present in population databases (gnomAD no frequency). This variant has not been reported in the literature in individuals affected with ADAMTS18-related conditions. ClinVar contains an entry for this variant (Variation ID: 1917208). An algorithm developed to predict the effect of missense changes on protein structure and function (PolyPhen-2) suggests that this variant is likely to be disruptive. In summary, the available evidence is currently insufficient to determine the role of this variant in disease. Therefore, it has been classified as a Variant of Uncertain Significance.